The following is an entry in ClinVar:

NM_001114753.3(ENG):c.1258A>G (p.Met420Val)

Genes: ENG (endoglin; minus strand), LOC102723566 (uncharacterized LOC102723566; plus strand). Cytogenetic location: 9q34.11.
Variant type: single nucleotide variant.
Coding change: c.1258A>G on transcript NM_001114753.3 (MANE Select); coding-DNA position 1258, A replaced by G.
Protein change: p.Met420Val; replaces methionine 420 with valine.
Molecular consequence: missense variant.
Genome position (GRCh38, 1-based): chr9:127,819,914, T>C on the plus strand (A>G on the coding strand, the complement: ENG is on the minus strand). VCF-style: chr9-127819914-T-C. GRCh37 (hg19) VCF-style: chr9-130582193-T-C.
Other names: NM_001114753.3(ENG):c.1258A>G; p.Met420Val; c.1258A>G, p.Met420Val (NM_000118.4); c.712A>G, p.Met238Val (NM_001278138.2); short protein forms M420V, M238V.
Identifiers: ClinVar variation 914518 (VCV000914518.18), dbSNP rs143724056, ClinGen allele CA5252839.

ClinVar aggregate classification (germline): Uncertain significance. Review status: reviewed by expert panel (3 of 4 stars). 5 submissions from 5 submitters: Uncertain significance (1). 4 of the submissions do not count toward it. Last evaluated 2025-02-04.

Conditions:
Hereditary hemorrhagic telangiectasia (HHT). Also called: ORW DISEASE; Osler Weber Rendu syndrome; OSLER-RENDU-WEBER DISEASE; Osler hemorrhagic telangiectasia syndrome. Identifiers: Orphanet 774, MedGen C0039445, MONDO:0019180. Disease mechanism: loss of function.
Telangiectasia, hereditary hemorrhagic, type 1 (HHT1). Also called: Osler Weber Rendu syndrome type 1; ENG-Related Hereditary Hemorrhagic Telangiectasia. Identifiers: Orphanet 774, MedGen C4551861, MONDO:0008535, OMIM 187300. Disease mechanism: loss of function.

Allele frequency attached by ClinVar (database versions not stated): ExAC 0.00002; gnomAD exomes 0.00003 and 0.00006; 1000 Genomes Project 30x 0.00016; 1000 Genomes Project 0.00020; TOPMed 0.00025; gnomAD 0.00027 and 0.00029.
gnomAD v4.1: 92 of 1,614,232 alleles (0.0057%); highest among the groups gnomAD compares: Admixed American, 0.08%; no homozygotes.

Submissions (5):

ClinGen Hereditary Hemorrhagic Telangiectasia Variant Curation Expert Panel, ClinGen
Classification: Uncertain significance for Telangiectasia, hereditary hemorrhagic, type 1. Last evaluated: 2025-02-04. Review status: reviewed by expert panel. Criteria: ClinGen HHT ACMG Specifications ENG V1.1.0. Collection method: curation. Allele origin: germline. Inheritance: Autosomal dominant inheritance.
Comment: The NM_001114753.3: c.1258A>G variant in ENG is a missense variant predicted to cause substitution of methionine by valine at amino acid 420 (p.Met420Val). The highest population minor allele frequency in gnomAD v2.1.1 is 0.0003180 (11/ 34592 alleles) in the Admixed American population. The computational predictor REVEL gives a score of 0.161, which is neither above nor below the thresholds predicting a damaging or benign impact on ENG function. In summary, this variant meets the criteria to be classified as a variant of uncertain significance for autosomal dominant hereditary hemorrhagic telangiectasia based on the ACMG/AMP criteria applied, as specified by the ClinGen Hereditary Hemorrhagic Telangiectasia Variant Curation Expert Panel: None (specifications version 1.1.0; 02/04/2025).

CeGaT Center for Human Genetics Tuebingen
Classification: Likely benign. Last evaluated: 2026-04-01. Review status: criteria provided, single submitter. Criteria: CeGaT Center For Human Genetics Tuebingen Variant Classification Criteria Version 2. Collection method: clinical testing. Allele origin: germline. Affected: yes. Observed: 1 variant allele. Not counted in ClinVar's aggregate classification.
Comment: ENG: BP4

Labcorp Genetics (formerly Invitae), Labcorp
Classification: Likely benign for Hereditary hemorrhagic telangiectasia. Last evaluated: 2025-06-12. Review status: criteria provided, single submitter. Criteria: Invitae Variant Classification Sherloc (09022015). Collection method: clinical testing. Allele origin: germline. Not counted in ClinVar's aggregate classification.

Blueprint Genetics
Classification: Likely benign. Last evaluated: 2024-03-13. Review status: criteria provided, single submitter. Criteria: ACMG Guidelines, 2015. Collection method: clinical testing. Allele origin: germline. Not counted in ClinVar's aggregate classification.

Illumina Laboratory Services, Illumina
Classification: Uncertain significance for Telangiectasia, hereditary hemorrhagic, type 1. Last evaluated: 2017-04-27. Review status: criteria provided, single submitter. Criteria: ICSL Variant Classification Criteria 13 December 2019. Collection method: clinical testing. Allele origin: germline. Not counted in ClinVar's aggregate classification.
Comment: This variant was observed as part of a predisposition screen in an ostensibly healthy population. A literature search was performed for the gene, cDNA change, and amino acid change (where applicable). Publications were found based on this search. However, the evidence from the literature, in combination with allele frequency data from public databases where available, was not sufficient to rule this variant in or out of causing disease. Therefore, this variant is classified as a variant of unknown significance.

Literature cited by the submitters: PubMed 20813596 (cited by Illumina Laboratory Services, Illumina).